The following is an entry in ClinVar:

NM_005912.3(MC4R):c.905A>T (p.Tyr302Phe)

Gene: MC4R (melanocortin 4 receptor; minus strand). Cytogenetic location: 18q21.32.
Variant type: single nucleotide variant.
Coding change: c.905A>T on transcript NM_005912.3 (MANE Select); coding-DNA position 905, A replaced by T.
Protein change: p.Tyr302Phe; replaces tyrosine 302 with phenylalanine.
Molecular consequence: missense variant.
Genome position (GRCh38, 1-based): chr18:60,371,445, T>A on the plus strand (A>T on the coding strand, the complement: MC4R is on the minus strand). VCF-style: chr18-60371445-T-A. GRCh37 (hg19) VCF-style: chr18-58038678-T-A.
Other names: short protein forms Y302F.
Identifiers: ClinVar variation 2637013 (VCV002637013.3), dbSNP rs1316381133, ClinGen allele CA402718822.

ClinVar aggregate classification (germline): Uncertain significance (0 of 4 stars; one submission).

Conditions:
MC4R-related disorder. Also called: MC4R-related condition.

Allele frequency attached by ClinVar (database versions not stated): TOPMed below 0.00001.

Submission:

PreventionGenetics, part of Exact Sciences
Classification: Uncertain significance for MC4R-related condition. Last evaluated: 2024-08-06. Review status: no assertion criteria provided. Collection method: clinical testing. Allele origin: germline.
Comment: The MC4R c.905A>T variant is predicted to result in the amino acid substitution p.Tyr302Phe. This variant was reported in the heterozygous state in a father and child with obesity (Roth et al. 2009. PubMed ID: 19214805). Three investigations found that this variant caused a partial reduction of function in vitro (Roth et al. 2009. PubMed ID: 19214805, He et al. 2014. PubMed ID: 25332687; Lotta et al. 2019. PubMed ID: 31002796). This variant is reported in 0.0018% of alleles in individuals of European (Non-Finnish) descent in gnomAD. Although we suspect that this variant may be pathogenic, at this time, the clinical significance is uncertain due to the absence of conclusive functional and genetic evidence.